The following is an entry in ClinVar:

NM_001035.3(RYR2):c.9869T>C (p.Ile3290Thr)

Gene: RYR2 (ryanodine receptor 2; plus strand). Cytogenetic location: 1q43.
Variant type: single nucleotide variant.
Coding change: c.9869T>C on transcript NM_001035.3 (MANE Select); coding-DNA position 9869, T replaced by C.
Protein change: p.Ile3290Thr; replaces isoleucine 3290 with threonine.
Molecular consequence: missense variant.
Genome position (GRCh38, 1-based): chr1:237,707,237, T>C. VCF-style: chr1-237707237-T-C. GRCh37 (hg19) VCF-style: chr1-237870537-T-C.
Other names: short protein forms I3290T.
Identifiers: ClinVar variation 3074896 (VCV003074896.1), dbSNP rs2547403448, ClinGen allele CA345409472.
Genomic context (GRCh38, chr1:237,707,237, plus strand): 5'-CAGAGCACATGAACACACTTCTAGGGAACATATTGAAAATCATATATAATAACTTGGGGA[T>C]TGATGAGGGAGCCTGGATGAAGAGGCTAGCAGGTAAGAACTGGAAGAAGACATTGTACCC-3'
Protein context (NP_001026.2, residues 3280-3300): ILKIIYNNLG[Ile3290Thr]DEGAWMKRLA

ClinVar aggregate classification (germline): Uncertain significance (1 of 4 stars; one submission).

Conditions:
Catecholaminergic polymorphic ventricular tachycardia (CVPT). Also called: Catecholamine-induced polymorphic ventricular tachycardia. Identifiers: Orphanet 3286, MedGen C5574922, MONDO:0017990.

gnomAD v4.1: 1 of 1,565,262 alleles (0.000064%); highest among the groups gnomAD compares: Non-Finnish European, 0.000087%; no homozygotes.

Submission:

All of Us Research Program, National Institutes of Health
Classification: Uncertain significance for Catecholaminergic polymorphic ventricular tachycardia. Last evaluated: 2024-01-11. Review status: criteria provided, single submitter. Criteria: ACMG Guidelines, 2015. Collection method: clinical testing. Allele origin: germline. Inheritance: Autosomal dominant inheritance. Observed: 1 variant allele, 1 heterozygote.
Comment: This study involves interpretation of variants in research participants for the purpose of population health screening. Participant phenotype was not available at the time of variant classification. Additional details can be found in publication PMID: 35346344, PMCID: PMC8962531